The following is an entry in ClinVar:

ClinVar aggregate classification (germline): Uncertain significance (1 of 4 stars; one submission).

Conditions:
Cardiovascular phenotype. Identifiers: MedGen CN230736.

Submission:

Ambry Genetics
Classification: Uncertain significance for Cardiovascular phenotype. Last evaluated: 2023-11-29. Review status: criteria provided, single submitter. Criteria: Ambry Variant Classification Scheme 2023. Collection method: clinical testing. Allele origin: germline.
Comment: The p.N1427K variant (also known as c.4281T>A), located in coding exon 16 of the AKAP9 gene, results from a T to A substitution at nucleotide position 4281. The asparagine at codon 1427 is replaced by lysine, an amino acid with similar properties. This amino acid position is conserved. In addition, this alteration is predicted to be tolerated by in silico analysis. Since supporting evidence is limited at this time, the clinical significance of this alteration remains unclear.

NM_005751.5(AKAP9):c.4281T>A (p.Asn1427Lys)

Gene: AKAP9 (A-kinase anchoring protein 9; plus strand). Cytogenetic location: 7q21.2.
Variant type: single nucleotide variant.
Coding change: c.4281T>A on transcript NM_005751.5 (MANE Select); coding-DNA position 4281, T replaced by A.
Protein change: p.Asn1427Lys; replaces asparagine 1427 with lysine.
Molecular consequence: missense variant.
Genome position (GRCh38, 1-based): chr7:92,031,547, T>A. VCF-style: chr7-92031547-T-A. GRCh37 (hg19) VCF-style: chr7-91660861-T-A.
Other names: c.4281T>A, p.Asn1427Lys (NM_147185.3); short protein forms N1427K.
Identifiers: ClinVar variation 3225059 (VCV003225059.1), dbSNP rs2484786965, ClinGen allele CA368128394.